The following is an entry in ClinVar:

ClinVar aggregate classification (germline): Uncertain significance (1 of 4 stars; one submission).

Conditions:
Inborn genetic diseases. Identifiers: MedGen C0950123, MeSH D030342.

Submission:

Ambry Genetics
Classification: Uncertain significance for Inborn genetic diseases. Last evaluated: 2026-01-11. Review status: criteria provided, single submitter. Criteria: Ambry Variant Classification Scheme 2023. Collection method: clinical testing. Allele origin: germline.
Comment: The p.G738E variant (also known as c.2213G>A), located in coding exon 13 of the ASXL1 gene, results from a G to A substitution at nucleotide position 2213. The glycine at codon 738 is replaced by glutamic acid, an amino acid with similar properties. This amino acid position is conserved. In addition, this alteration is predicted to be tolerated by in silico analysis. Based on the available evidence, the clinical significance of this variant remains unclear.

NM_015338.6(ASXL1):c.2213G>A (p.Gly738Glu)

Gene: ASXL1 (ASXL transcriptional regulator 1; plus strand). Cytogenetic location: 20q11.21.
Variant type: single nucleotide variant.
Coding change: c.2213G>A on transcript NM_015338.6 (MANE Select); coding-DNA position 2213, G replaced by A.
Protein change: p.Gly738Glu; replaces glycine 738 with glutamic acid.
Molecular consequence: missense variant.
Genome position (GRCh38, 1-based): chr20:32,434,925, G>A. VCF-style: chr20-32434925-G-A. GRCh37 (hg19) VCF-style: chr20-31022728-G-A.
Other names: c.2030G>A, p.Gly677Glu (NM_001363734.1); short protein forms G677E, G738E.
Identifiers: ClinVar variation 4843672 (VCV004843672.1).